The following is an entry in ClinVar:

ClinVar aggregate classification (germline): Conflicting classifications of pathogenicity. Review status: criteria provided, conflicting classifications (1 of 4 stars). 9 submissions from 9 submitters: Uncertain significance (7); Likely benign (1). 1 of the submissions does not count toward it. Last evaluated 2025-01-26.

Conditions:
Fanconi anemia complementation group J. Also called: BRIP1-Related Fanconi Anemia. Identifiers: Orphanet 84, MedGen C1836860, MONDO:0012187, OMIM 609054.
Ovarian cancer. Also called: OVARIAN CANCER, SOMATIC. Identifiers: Orphanet 213500, MedGen C1140680, MONDO:0008170, OMIM 167000.
Familial cancer of breast. Also called: hereditary breast carcinoma; BREAST CANCER, FAMILIAL; Hereditary breast cancer. Identifiers: Orphanet 227535, MedGen C0346153, MONDO:0016419, OMIM 114480. Disease mechanism: loss of function.
Hereditary cancer-predisposing syndrome. Also called: Tumor predisposition; Hereditary Cancer Syndrome; Hereditary neoplastic syndrome; Neoplastic Syndromes, Hereditary. Identifiers: Orphanet 140162, MedGen C0027672, MeSH D009386, MONDO:0015356.

Allele frequency attached by ClinVar (database versions not stated): TOPMed 0.00001.
gnomAD v4.1: 16 of 1,614,206 alleles (0.00099%); highest among the groups gnomAD compares: Non-Finnish European, 0.0014%; no homozygotes.

Submissions (9):

Labcorp Genetics (formerly Invitae), Labcorp
Classification: Uncertain significance for Familial cancer of breast; Fanconi anemia complementation group J. Last evaluated: 2025-01-26. Review status: criteria provided, single submitter. Criteria: Invitae Variant Classification Sherloc (09022015). Collection method: clinical testing. Allele origin: germline.
Comment: This sequence change replaces histidine, which is basic and polar, with leucine, which is neutral and non-polar, at codon 587 of the BRIP1 protein (p.His587Leu). This variant is not present in population databases (gnomAD no frequency). This missense change has been observed in individual(s) with breast cancer (PMID: 31822495). ClinVar contains an entry for this variant (Variation ID: 233799). Invitae Evidence Modeling of protein sequence and biophysical properties (such as structural, functional, and spatial information, amino acid conservation, physicochemical variation, residue mobility, and thermodynamic stability) indicates that this missense variant is not expected to disrupt BRIP1 protein function with a negative predictive value of 95%. Experimental studies have shown that this missense change does not substantially affect BRIP1 function (PMID: 31822495). In summary, the available evidence is currently insufficient to determine the role of this variant in disease. Therefore, it has been classified as a Variant of Uncertain Significance.

Fulgent Genetics
Classification: Uncertain significance for Familial cancer of breast; Fanconi anemia complementation group J. Last evaluated: 2024-05-22. Review status: criteria provided, single submitter. Criteria: ACMG Guidelines, 2015. Collection method: clinical testing. Allele origin: germline.

Ambry Genetics
Classification: Likely benign for Hereditary cancer-predisposing syndrome. Last evaluated: 2024-03-20. Review status: criteria provided, single submitter. Criteria: Ambry Variant Classification Scheme 2023. Collection method: clinical testing. Allele origin: germline.

Color Diagnostics, LLC DBA Color Health
Classification: Uncertain significance for Hereditary cancer-predisposing syndrome. Last evaluated: 2024-03-11. Review status: criteria provided, single submitter. Criteria: ACMG Guidelines, 2015. Collection method: clinical testing. Allele origin: germline.
Comment: This missense variant replaces histidine with leucine at codon 587 of the BRIP1 protein. Computational prediction suggests that this variant may not impact protein structure and function. A functional study has shown that this variant did not impact the rescue of cytotoxicity caused by DNA damaging agents (PMID: 31822495). This variant has been reported in individuals affected with breast cancer (PMID: 31822495). This variant has not been identified in the general population by the Genome Aggregation Database (gnomAD). The available evidence is insufficient to determine the role of this variant in disease conclusively. Therefore, this variant is classified as a Variant of Uncertain Significance.

Baylor Genetics
Classification: Uncertain significance for Familial cancer of breast. Last evaluated: 2024-03-07. Review status: criteria provided, single submitter. Criteria: ACMG Guidelines, 2015. Collection method: clinical testing. Allele origin: unknown.

Myriad Genetics, Inc.
Classification: Uncertain significance for Familial cancer of breast. Last evaluated: 2023-02-27. Review status: criteria provided, single submitter. Criteria: Myriad Autosomal Dominant, Autosomal Recessive and X-Linked Classification Criteria (2023). Collection method: clinical testing. Allele origin: unknown.
Comment: This variant is classified as a variant of uncertain significance as there is insufficient evidence to determine its impact on protein function and/or cancer risk.

Women's Health and Genetics/Laboratory Corporation of America, LabCorp
Classification: Uncertain significance. Last evaluated: 2019-04-18. Review status: criteria provided, single submitter. Criteria: LabCorp Variant Classification Summary - May 2015. Collection method: clinical testing. Allele origin: germline.
Comment: Variant summary: BRIP1 c.1760A>T (p.His587Leu) results in a non-conservative amino acid change in the encoded protein sequence. Four of five in-silico tools predict a benign effect of the variant on protein function. The variant was absent in 251434 control chromosomes (gnomAD). The available data on variant occurrences in the general population are insufficient to allow any conclusion about variant significance. To our knowledge, no occurrence of c.1760A>T in individuals affected with Hereditary Breast and Ovarian Cancer and no experimental evidence demonstrating its impact on protein function have been reported. Four ClinVar submissions from clinical diagnostic laboratories (evaluation after 2014) cite the variant as uncertain significance. Based on the evidence outlined above, the variant was classified as uncertain significance.

GeneDx
Classification: Uncertain significance. Last evaluated: 2017-11-13. Review status: criteria provided, single submitter. Criteria: GeneDx Variant Classification (06012015). Collection method: clinical testing. Allele origin: germline. Affected: yes.
Comment: This variant is denoted BRIP1 c.1760A>T at the cDNA level, p.His587Leu (H587L) at the protein level, and results in the change of a Histidine to a Leucine (CAT>CTT). This variant has not, to our knowledge, been published in the literature as pathogenic or benign. BRIP1 His587Leu was not observed in large population cohorts (Lek 2016). Since Histidine and Leucine differ in polarity, charge, size or other properties, this is considered a non-conservative amino acid substitution. BRIP1 is not located in a known functional domain. In-silico analyses, including protein predictors and evolutionary conservation, support that this variant does not alter protein structure or function. Based on currently available evidence, it is unclear whether BRIP1 His587Leu is a pathogenic or benign variant. We consider it to be a variant of uncertain significance.

Counsyl
Classification: Uncertain significance for Fanconi anemia complementation group J; Ovarian cancer. Last evaluated: 2017-12-12. Review status: no assertion criteria provided. Collection method: clinical testing. Allele origin: unknown. Not counted in ClinVar's aggregate classification.

Literature cited by the submitters: PubMed 31822495 (cited by Labcorp Genetics (formerly Invitae), Labcorp and Color Diagnostics, LLC DBA Color Health).

NM_032043.3(BRIP1):c.1760A>T (p.His587Leu)

Gene: BRIP1 (BRCA1 interacting DNA helicase 1; minus strand). Cytogenetic location: 17q23.2.
Variant type: single nucleotide variant.
Coding change: c.1760A>T on transcript NM_032043.3 (MANE Select); coding-DNA position 1760, A replaced by T.
Protein change: p.His587Leu; replaces histidine 587 with leucine.
Molecular consequence: missense variant.
Genome position (GRCh38, 1-based): chr17:61,780,874, T>A on the plus strand (A>T on the coding strand, the complement: BRIP1 is on the minus strand). VCF-style: chr17-61780874-T-A. GRCh37 (hg19) VCF-style: chr17-59858235-T-A.
Other names: short protein forms H587L.
Identifiers: ClinVar variation 233799 (VCV000233799.25), dbSNP rs876660646, ClinGen allele CA10577562.